The following is an entry in ClinVar:

NM_001367624.2(ZNF469):c.9016G>C (p.Ala3006Pro)

Gene: ZNF469 (zinc finger protein 469; plus strand). Cytogenetic location: 16q24.2.
Variant type: single nucleotide variant.
Coding change: c.9016G>C on transcript NM_001367624.2 (MANE Select); coding-DNA position 9016, G replaced by C.
Protein change: p.Ala3006Pro; replaces alanine 3006 with proline.
Molecular consequence: missense variant.
Genome position (GRCh38, 1-based): chr16:88,436,486, G>C. VCF-style: chr16-88436486-G-C. GRCh37 (hg19) VCF-style: chr16-88502894-G-C.
Other names: NM_001127464.1:c.8932G>C; short protein forms A3006P.
Identifiers: ClinVar variation 2449458 (VCV002449458.2), dbSNP rs2507601715, ClinGen allele CA397120236.

ClinVar aggregate classification (germline): Uncertain significance (1 of 4 stars; one submission).

Conditions:
Cardiovascular phenotype. Identifiers: MedGen CN230736.

Submission:

Ambry Genetics
Classification: Uncertain significance for Cardiovascular phenotype. Last evaluated: 2022-12-11. Review status: criteria provided, single submitter. Criteria: Ambry Variant Classification Scheme 2023. Collection method: clinical testing. Allele origin: germline.
Comment: The p.A2978P variant (also known as c.8932G>C), located in coding exon 2 of the ZNF469 gene, results from a G to C substitution at nucleotide position 8932. The alanine at codon 2978 is replaced by proline, an amino acid with highly similar properties. This amino acid position is conserved. In addition, this alteration is predicted to be tolerated by in silico analysis. Since supporting evidence is limited at this time, the clinical significance of this alteration remains unclear.